The following is an entry in ClinVar:

NM_001458.5(FLNC):c.3989A>G (p.Tyr1330Cys)

Gene: FLNC (filamin C; plus strand). Cytogenetic location: 7q32.1.
Variant type: single nucleotide variant.
Coding change: c.3989A>G on transcript NM_001458.5 (MANE Select); coding-DNA position 3989, A replaced by G.
Protein change: p.Tyr1330Cys; replaces tyrosine 1330 with cysteine.
Molecular consequence: missense variant.
Genome position (GRCh38, 1-based): chr7:128,846,325, A>G. VCF-style: chr7-128846325-A-G. GRCh37 (hg19) VCF-style: chr7-128486379-A-G.
Other names: c.3989A>G, p.Tyr1330Cys (NM_001127487.2); short protein forms Y1330C.
Identifiers: ClinVar variation 2565529 (VCV002565529.2), dbSNP rs1437922815, ClinGen allele CA369198887.

ClinVar aggregate classification (germline): Uncertain significance (1 of 4 stars; one submission).

Conditions:
Cardiovascular phenotype. Identifiers: MedGen CN230736.

Allele frequency attached by ClinVar (database versions not stated): gnomAD exomes below 0.00001; gnomAD 0.00001.
gnomAD v4.1: 3 of 1,613,758 alleles (0.00019%); highest among the groups gnomAD compares: Non-Finnish European, 0.00025%; no homozygotes.

Submission:

Ambry Genetics
Classification: Uncertain significance for Cardiovascular phenotype. Last evaluated: 2023-05-30. Review status: criteria provided, single submitter. Criteria: Ambry Variant Classification Scheme 2023. Collection method: clinical testing. Allele origin: germline.
Comment: The p.Y1330C variant (also known as c.3989A>G), located in coding exon 23 of the FLNC gene, results from an A to G substitution at nucleotide position 3989. The tyrosine at codon 1330 is replaced by cysteine, an amino acid with highly dissimilar properties. This amino acid position is conserved. In addition, the in silico prediction for this alteration is inconclusive. Since supporting evidence is limited at this time, the clinical significance of this alteration remains unclear.